The following is an entry in ClinVar:

NM_007294.4(BRCA1):c.711del (p.Glu237fs)

Gene: BRCA1 (BRCA1 DNA repair associated; minus strand). Cytogenetic location: 17q21.31.
Variant type: Deletion.
Coding change: c.711del on transcript NM_007294.4 (MANE Select); coding-DNA position 711, one base deleted (A; older notation c.711delA).
Protein change: p.Glu237fs; shifts the reading frame from glutamic acid 237.
Molecular consequence: frameshift variant. On other transcripts: 5 prime UTR variant (2), intron variant (13).
Genome position (GRCh38, 1-based): chr17:43,094,820, T deleted on the plus strand (A on the coding strand, the reverse complement: BRCA1 is on the minus strand); the first of 2 consecutive T bases (chr17:43,094,820-43,094,821); deleting either gives the same sequence. VCF-style (leftmost placement, unchanged base first): chr17-43094819-GT-G. GRCh37 (hg19) VCF-style: chr17-41246836-GT-G.
Other names: c.567del, p.Glu189fs (NM_001407841.1, NM_001407842.1, NM_001407843.1 and 26 more transcripts); c.570del, p.Glu190fs (NM_001407850.1, NM_001407851.1, NM_001407852.1 and 43 more transcripts); c.498del, p.Glu166fs (NM_001407853.1, NM_001407894.1, NM_001407895.1 and 12 more transcripts); c.711del, p.Glu237fs (NM_001407854.1, NM_001407858.1, NM_001407859.1 and 53 more transcripts); c.708del, p.Glu236fs (NM_001407860.1, NM_001407861.1, NM_001407972.1 and 38 more transcripts); c.510del, p.Glu170fs (NM_001407862.1, NM_001408474.1, NM_001408476.1); c.588del, p.Glu196fs (NM_001407863.1, NM_001407919.1, NM_001407937.1 and 34 more transcripts); c.507del, p.Glu169fs (NM_001407874.1, NM_001407875.1, NM_001408475.1); and 20 more; short protein forms E109fs, E110fs, E125fs, E126fs, E148fs, E149fs, E166fs, E167fs.
Identifiers: ClinVar variation 5042465 (VCV005042465.1).

ClinVar aggregate classification (germline): Pathogenic (1 of 4 stars; one submission).

Conditions:
Breast-ovarian cancer, familial, susceptibility to, 1 (BROVCA1). Also called: OVARIAN CANCER, SUSCEPTIBILITY TO; BRCA1 Hereditary Breast and Ovarian Cancer. Identifiers: Orphanet 145, MedGen C2676676, MONDO:0011450, OMIM 604370. Disease mechanism: loss of function.

Submission:

Myriad Genetics, Inc.
Classification: Pathogenic for Breast-ovarian cancer, familial, susceptibility to, 1. Last evaluated: 2026-09-18. Review status: criteria provided, single submitter. Criteria: Myriad Autosomal Dominant, Autosomal Recessive and X-Linked Classification Criteria (2023). Collection method: clinical testing. Allele origin: unknown.
Comment: This variant is considered pathogenic. This variant creates a frameshift predicted to result in premature protein truncation.